The following is an entry in ClinVar:

NM_145207.3(AFG2A):c.394C>T (p.Gln132Ter)

Gene: AFG2A (AAA ATPase AFG2A; plus strand). Cytogenetic location: 4q28.1.
Variant type: single nucleotide variant.
Coding change: c.394C>T on transcript NM_145207.3 (MANE Select); coding-DNA position 394, C replaced by T.
Protein change: p.Gln132Ter; replaces glutamine 132 with a stop codon.
Molecular consequence: nonsense.
Genome position (GRCh38, 1-based): chr4:122,929,145, C>T. VCF-style: chr4-122929145-C-T. GRCh37 (hg19) VCF-style: chr4-123850300-C-T.
Other names: c.391C>T, p.Gln131Ter (NM_001317799.2, NM_001345856.2); short protein forms Q132*, Q131*.
Identifiers: ClinVar variation 488607 (VCV000488607.53), dbSNP rs1220351376, ClinGen allele CA358100087.

ClinVar aggregate classification (germline): Pathogenic. Review status: criteria provided, multiple submitters, no conflicts (2 of 4 stars). 6 submissions from 6 submitters: Pathogenic (6). Last evaluated 2024-12-12.

Conditions:
Microcephaly-intellectual disability-sensorineural hearing loss-epilepsy-abnormal muscle tone syndrome (NEDHSB). Also called: NEURODEVELOPMENTAL DISORDER WITH HEARING LOSS, SEIZURES, AND BRAIN ABNORMALITIES. Identifiers: Orphanet 457351, MedGen C4225276, MONDO:0014698, OMIM 616577.
SPATA5-related disorder.

Allele frequency attached by ClinVar (database versions not stated): gnomAD exomes 0.00001 and 0.00002.
gnomAD v4.1: 15 of 1,613,042 alleles (0.00093%); highest among the groups gnomAD compares: South Asian, 0.0011%; no homozygotes.

Submissions (6):

Labcorp Genetics (formerly Invitae), Labcorp
Classification: Pathogenic for Microcephaly-intellectual disability-sensorineural hearing loss-epilepsy-abnormal muscle tone syndrome. Last evaluated: 2024-12-12. Review status: criteria provided, single submitter. Criteria: Invitae Variant Classification Sherloc (09022015). Collection method: clinical testing. Allele origin: germline.
Comment: This sequence change creates a premature translational stop signal (p.Gln132*) in the SPATA5 gene. It is expected to result in an absent or disrupted protein product. Loss-of-function variants in SPATA5 are known to be pathogenic (PMID: 26299366). This variant is present in population databases (no rsID available, gnomAD 0.004%). This premature translational stop signal has been observed in individual(s) with SPATA5-related conditions (PMID: 29343804). In at least one individual the data is consistent with being in trans (on the opposite chromosome) from a pathogenic variant. ClinVar contains an entry for this variant (Variation ID: 488607). Algorithms developed to predict the effect of sequence changes on RNA splicing suggest that this variant may disrupt the consensus splice site. For these reasons, this variant has been classified as Pathogenic.

Blueprint Genetics
Classification: Pathogenic for SPATA5-related disorders. Last evaluated: 2024-10-02. Review status: criteria provided, single submitter. Criteria: ACMG Guidelines, 2015. Collection method: clinical testing. Allele origin: germline. Affected: yes. Observed: 1 variant allele.

GeneDx
Classification: Pathogenic. Last evaluated: 2024-03-21. Review status: criteria provided, single submitter. Criteria: GeneDx Variant Classification Process June 2021. Collection method: clinical testing. Allele origin: germline. Affected: yes.
Comment: Nonsense variant predicted to result in protein truncation or nonsense mediated decay in a gene for which loss-of-function is a known mechanism of disease; Not observed at significant frequency in large population cohorts (gnomAD); This variant is associated with the following publications: (PMID: 29343804, 34360601, 38008000)

CeGaT Center for Human Genetics Tuebingen
Classification: Pathogenic. Last evaluated: 2019-06-01. Review status: criteria provided, single submitter. Criteria: CeGaT Center For Human Genetics Tuebingen Variant Classification Criteria Version 2. Collection method: clinical testing. Allele origin: germline. Affected: yes. Observed: 3 variant alleles.

Revvity Omics, Revvity
Classification: Pathogenic for Microcephaly-intellectual disability-sensorineural hearing loss-epilepsy-abnormal muscle tone syndrome. Last evaluated: 2019-01-17. Review status: criteria provided, single submitter. Criteria: ACMG Guidelines, 2015. Collection method: clinical testing. Allele origin: germline.

Institute of Human Genetics Munich, TUM University Hospital
Classification: Pathogenic for Microcephaly-intellectual disability-sensorineural hearing loss-epilepsy-abnormal muscle tone syndrome. Last evaluated: 2017-09-08. Review status: criteria provided, single submitter. Criteria: Classification criteria August 2017. Collection method: clinical testing. Allele origin: maternal. Inheritance: Autosomal recessive inheritance. Affected: yes. Observed: 1 compound heterozygote.

Literature cited by the submitters: PubMed 26299366 (cited by Labcorp Genetics (formerly Invitae), Labcorp); PubMed 29343804 (cited by Labcorp Genetics (formerly Invitae), Labcorp).